The following is an entry in ClinVar:

NM_001321120.2(TBX4):c.704T>G (p.Ile235Ser)

Gene: TBX4 (T-box transcription factor 4; plus strand). Cytogenetic location: 17q23.2.
Variant type: single nucleotide variant.
Coding change: c.704T>G on transcript NM_001321120.2 (MANE Select); coding-DNA position 704, T replaced by G.
Protein change: p.Ile235Ser; replaces isoleucine 235 with serine.
Molecular consequence: missense variant.
Genome position (GRCh38, 1-based): chr17:61,479,882, T>G. VCF-style: chr17-61479882-T-G. GRCh37 (hg19) VCF-style: chr17-59557243-T-G.
Other names: c.704T>G, p.Ile235Ser (NM_018488.3); short protein forms I235S.
Identifiers: ClinVar variation 4526723 (VCV004526723.1).

ClinVar aggregate classification (germline): Uncertain significance (1 of 4 stars; one submission).

Conditions:
Increased susceptibility to fractures. Also called: Bone fragility. Identifiers: MedGen C1390474, HP:0002659.

Submission:

Clinical Genetics Laboratory, Skane University Hospital Lund
Classification: Uncertain significance for Increased susceptibility to fractures. Last evaluated: 2025-11-06. Review status: criteria provided, single submitter. Criteria: ACMG Guidelines, 2015. Collection method: clinical testing. Allele origin: germline. Affected: yes.
Comment: ACMG criteria: PM2, PP2 and PP3.